The following is an entry in ClinVar:

NM_003901.4(SGPL1):c.746C>A (p.Ala249Asp)

Gene: SGPL1 (sphingosine-1-phosphate lyase 1; plus strand). Cytogenetic location: 10q22.1.
Variant type: single nucleotide variant.
Coding change: c.746C>A on transcript NM_003901.4 (MANE Select); coding-DNA position 746, C replaced by A.
Protein change: p.Ala249Asp; replaces alanine 249 with aspartic acid.
Molecular consequence: missense variant.
Genome position (GRCh38, 1-based): chr10:70,869,833, C>A. VCF-style: chr10-70869833-C-A. GRCh37 (hg19) VCF-style: chr10-72629590-C-A.
Other names: short protein forms A249D.
Identifiers: ClinVar variation 1959809 (VCV001959809.3), dbSNP rs1846259999, ClinGen allele CA377123144.
Genomic context (GRCh38, chr10:70,869,833, plus strand): 5'-CCTCTTCCCTGTCATTTAGTGTGGCTCCCCAAAGTGCCCATGCTGCATTTAACAAAGCAG[C>A]CAGTTACTTTGGGATGAAGATTGTGCGGGTCCCATTGACGAAGATGATGGAGGTGGATGT-3'
Protein context (NP_003892.2, residues 239-259): QSAHAAFNKA[Ala249Asp]SYFGMKIVRV

ClinVar aggregate classification (germline): Uncertain significance (1 of 4 stars; one submission).

Allele frequency attached by ClinVar (database versions not stated): TOPMed below 0.00001.

Submission:

Labcorp Genetics (formerly Invitae), Labcorp
Classification: Uncertain significance. Last evaluated: 2022-08-19. Review status: criteria provided, single submitter. Criteria: Invitae Variant Classification Sherloc (09022015). Collection method: clinical testing. Allele origin: germline.
Comment: Algorithms developed to predict the effect of missense changes on protein structure and function are either unavailable or do not agree on the potential impact of this missense change (SIFT: "Deleterious"; PolyPhen-2: "Probably Damaging"; Align-GVGD: "Class C15"). This variant has not been reported in the literature in individuals affected with SGPL1-related conditions. This variant is not present in population databases (gnomAD no frequency). This sequence change replaces alanine, which is neutral and non-polar, with aspartic acid, which is acidic and polar, at codon 249 of the SGPL1 protein (p.Ala249Asp). In summary, the available evidence is currently insufficient to determine the role of this variant in disease. Therefore, it has been classified as a Variant of Uncertain Significance.